The following is an entry in ClinVar:

ClinVar aggregate classification (germline): Benign. Review status: criteria provided, multiple submitters, no conflicts (2 of 4 stars). 6 submissions from 6 submitters: Benign (4). 2 of the submissions do not count toward it. Last evaluated 2026-02-04.

Conditions:
Usher syndrome type 3B. Also called: USHER SYNDROME, TYPE IIIB. Identifiers: MedGen C3281066, MONDO:0013788, OMIM 614504.

Allele frequency attached by ClinVar (database versions not stated): ESP Exome Variant Server 0.18069; TOPMed 0.18327; gnomAD 0.18812 and 0.19347; 1000 Genomes Project 30x 0.19582; 1000 Genomes Project 0.20048; gnomAD exomes 0.22915 and 0.23711; ExAC 0.23553.
gnomAD v4.1: 364,259 of 1,613,788 alleles (23%); highest among the groups gnomAD compares: East Asian, 30%; 42,683 homozygotes.

Submissions (6):

Labcorp Genetics (formerly Invitae), Labcorp
Classification: Benign for Usher syndrome type 3B. Last evaluated: 2026-02-04. Review status: criteria provided, single submitter. Criteria: Invitae Variant Classification Sherloc (09022015). Collection method: clinical testing. Allele origin: germline.

GeneDx
Classification: Benign. Last evaluated: 2017-05-09. Review status: criteria provided, single submitter. Criteria: GeneDx Variant Classification (06012015). Collection method: clinical testing. Allele origin: germline. Affected: yes.
Comment: This variant is considered likely benign or benign based on one or more of the following criteria: it is a conservative change, it occurs at a poorly conserved position in the protein, it is predicted to be benign by multiple in silico algorithms, and/or has population frequency not consistent with disease.

Mayo Clinic Laboratories, Mayo Clinic
Classification: Benign. Last evaluated: 2016-03-01. Review status: criteria provided, single submitter. Criteria: ACMG Guidelines, 2015. Collection method: clinical testing. Allele origin: germline. Observed: 802 variant alleles.

Laboratory for Molecular Medicine, Mass General Brigham Personalized Medicine
Classification: Benign. Last evaluated: 2015-04-14. Review status: criteria provided, single submitter. Criteria: LMM Criteria. Collection method: clinical testing. Allele origin: germline. Observed: 24 variant alleles.
Comment: c.1458+7G>A in intron 12 of HARS: This variant is not expected to have clinical significance because it has been identified in 24% (16069/50639) of European chr omosomes by the Exome Aggregation Consortium (ExAC, rg; dbSNP rs58302597).

Clinical Genetics, Academic Medical Center
Classification: Benign. Review status: no assertion criteria provided. Collection method: clinical testing. Allele origin: germline. Affected: yes. Study: VKGL Data-share Consensus. Not counted in ClinVar's aggregate classification.

Diagnostic Laboratory, Department of Genetics, University Medical Center Groningen
Classification: Benign for Usher syndrome type 3B. Review status: no assertion criteria provided. Collection method: clinical testing. Allele origin: germline. Affected: yes. Study: VKGL Data-share Consensus. Not counted in ClinVar's aggregate classification.

NM_002109.6(HARS1):c.1458+7G>A

Gene: HARS1 (histidyl-tRNA synthetase 1; minus strand). Cytogenetic location: 5q31.3.
Variant type: single nucleotide variant.
Coding change: c.1458+7G>A on transcript NM_002109.6 (MANE Select); 7 bases into the intron after coding-DNA position 1458, G replaced by A.
Molecular consequence: intron variant.
Genome position (GRCh38, 1-based): chr5:140,674,672, C>T on the plus strand (G>A on the coding strand, the complement: HARS1 is on the minus strand). VCF-style: chr5-140674672-C-T. GRCh37 (hg19) VCF-style: chr5-140054257-C-T.
Other names: p.?; c.1236+7G>A (NM_001289092.2); c.1398+7G>A (NM_001258041.3); c.1371+7G>A (NM_001289094.2); c.1116+7G>A (NM_001289093.2); c.1278+7G>A (NM_001258042.3); c.1338+7G>A (NM_001258040.3).
Identifiers: ClinVar variation 226650 (VCV000226650.17), dbSNP rs58302597, ClinGen allele CA3443815.